The following is an entry in ClinVar:

ClinVar aggregate classification (germline): Uncertain significance (1 of 4 stars; one submission).

Allele frequency attached by ClinVar (database versions not stated): gnomAD 0.00001; gnomAD exomes 0.00001; TOPMed 0.00002.
gnomAD v4.1: 4 of 1,613,664 alleles (0.00025%); highest among the groups gnomAD compares: Admixed American, 0.0067%; no homozygotes.

Submission:

Labcorp Genetics (formerly Invitae), Labcorp
Classification: Uncertain significance. Last evaluated: 2025-05-17. Review status: criteria provided, single submitter. Criteria: Invitae Variant Classification Sherloc (09022015). Collection method: clinical testing. Allele origin: germline.
Comment: This sequence change replaces tyrosine, which is neutral and polar, with phenylalanine, which is neutral and non-polar, at codon 684 of the ATP1A1 protein (p.Tyr684Phe). This variant is present in population databases (no rsID available, gnomAD 0.01%). This variant has not been reported in the literature in individuals affected with ATP1A1-related conditions. ClinVar contains an entry for this variant (Variation ID: 1897566). Invitae Evidence Modeling of protein sequence and biophysical properties (such as structural, functional, and spatial information, amino acid conservation, physicochemical variation, residue mobility, and thermodynamic stability) has been performed for this missense variant. However, the output from this modeling did not meet the statistical confidence thresholds required to predict the impact of this variant on ATP1A1 protein function. In summary, the available evidence is currently insufficient to determine the role of this variant in disease. Therefore, it has been classified as a Variant of Uncertain Significance.

NM_000701.8(ATP1A1):c.2051A>T (p.Tyr684Phe)

Genes: ATP1A1 (ATPase Na+/K+ transporting subunit alpha 1; plus strand), ATP1A1-AS1 (ATP1A1 antisense RNA 1; minus strand). Cytogenetic location: 1p13.1.
Variant type: single nucleotide variant.
Coding change: c.2051A>T on transcript NM_000701.8 (MANE Select); coding-DNA position 2051, A replaced by T.
Protein change: p.Tyr684Phe; replaces tyrosine 684 with phenylalanine.
Molecular consequence: missense variant.
Genome position (GRCh38, 1-based): chr1:116,397,965, A>T. VCF-style: chr1-116397965-A-T. GRCh37 (hg19) VCF-style: chr1-116940587-A-T.
Other names: c.2051A>T, p.Tyr684Phe (NM_001160233.2); c.1958A>T, p.Tyr653Phe (NM_001160234.2); short protein forms Y653F, Y684F.
Identifiers: ClinVar variation 1897566 (VCV001897566.5), dbSNP rs1383372068, ClinGen allele CA341772508.